The following is an entry in ClinVar:

ClinVar aggregate classification (germline): Conflicting classifications of pathogenicity. Review status: criteria provided, conflicting classifications (1 of 4 stars). 8 submissions from 8 submitters: Uncertain significance (3); Benign (1); Likely benign (3). 1 of the submissions does not count toward it. Last evaluated 2026-02-02.

Conditions:
Hereditary cancer-predisposing syndrome. Also called: Hereditary Cancer Syndrome; Neoplastic Syndromes, Hereditary; Hereditary neoplastic syndrome; Tumor predisposition. Identifiers: Orphanet 140162, MedGen C0027672, MeSH D009386, MONDO:0015356.
POLD1-related polyposis and colorectal cancer syndrome (CRCS10). Also called: COLORECTAL CANCER, SUSCEPTIBILITY TO, ON CHROMOSOME 19q; Colorectal cancer 10; Colorectal cancer, susceptibility to, 10. Identifiers: Orphanet 220460, MedGen C2675481, MONDO:0012953, OMIM 612591.
POLD1-related disorder. Also called: POLD1-related condition; POLD1-related disorders.

Allele frequency attached by ClinVar (database versions not stated): gnomAD exomes 0.00006 and 0.00010; 1000 Genomes Project 30x 0.00016; ExAC 0.00019; ESP Exome Variant Server 0.00023; TOPMed 0.00033; gnomAD 0.00035 and 0.00038; 1000 Genomes Project 0.00040.

Submissions (8):

Labcorp Genetics (formerly Invitae), Labcorp
Classification: Likely benign for POLD1-related polyposis and colorectal cancer syndrome. Last evaluated: 2026-02-02. Review status: criteria provided, single submitter. Criteria: Invitae Variant Classification Sherloc (09022015). Collection method: clinical testing. Allele origin: germline.

Genetic Services Laboratory, University of Chicago
Classification: Uncertain significance. Last evaluated: 2025-11-28. Review status: criteria provided, single submitter. Criteria: ACMG Guidelines, 2015. Collection method: clinical testing. Allele origin: germline.
Comment: DNA sequence analysis of the POLD1 gene demonstrated a sequence change, c.13C>T, in exon 2 that results in an amino acid change, p.Arg5Trp. This sequence change does not appear to have been previously described in patients with POLD1-related disorders and has been described in the gnomAD database with a frequency of 0.10% in African populations (dbSNP rs9282830). The p.Arg5Trp change affects a highly conserved amino acid residue located in a domain of the POLD1 protein that is not known to be functional. In-silico pathogenicity prediction tools (SIFT, PolyPhen2, Align GVGD, REVEL) provide contradictory results for the p.Arg5Trp substitution. Due to this contrasting evidence and the lack of functional studies, the clinical significance of the p.Arg5Trp change remains unknown at this time.

Ambry Genetics
Classification: Likely benign for Hereditary cancer-predisposing syndrome. Last evaluated: 2022-11-11. Review status: criteria provided, single submitter. Criteria: Ambry Variant Classification Scheme 2023. Collection method: clinical testing. Allele origin: germline.

GeneDx
Classification: Uncertain significance. Last evaluated: 2021-03-30. Review status: criteria provided, single submitter. Criteria: GeneDx Variant Classification Process June 2021. Collection method: clinical testing. Allele origin: germline. Affected: yes.
Comment: Has not been previously published as pathogenic or benign to our knowledge; In silico analysis supports that this missense variant has a deleterious effect on protein structure/function; In-silico analysis, which includes splice predictors and evolutionary conservation, is inconclusive as to whether the variant alters gene splicing. In the absence of RNA/functional studies, the actual effect of this sequence change is unknown.

Sema4
Classification: Likely benign for Hereditary cancer-predisposing syndrome. Last evaluated: 2020-10-09. Review status: criteria provided, single submitter. Criteria: Sema4 Curation Guidelines. Collection method: curation. Allele origin: germline.

Quest Diagnostics Nichols Institute San Juan Capistrano
Classification: Benign. Last evaluated: 2019-07-23. Review status: criteria provided, single submitter. Criteria: Quest Diagnostics criteria. Collection method: clinical testing. Allele origin: germline.

Eurofins Ntd Llc (ga)
Classification: Uncertain significance. Last evaluated: 2018-03-16. Review status: criteria provided, single submitter. Criteria: EGL ClinVar v180209 classification definitions. Collection method: clinical testing. Allele origin: germline. Observed: 1 variant allele, 1 heterozygote.

PreventionGenetics, part of Exact Sciences
Classification: Likely benign for POLD1-related condition. Last evaluated: 2023-06-16. Review status: no assertion criteria provided. Collection method: clinical testing. Allele origin: germline. Not counted in ClinVar's aggregate classification.
Comment: This variant is classified as likely benign based on ACMG/AMP sequence variant interpretation guidelines (Richards et al. 2015 PMID: 25741868, with internal and published modifications).

NM_002691.4(POLD1):c.13C>T (p.Arg5Trp)

Gene: POLD1 (DNA polymerase delta 1, catalytic subunit; plus strand). Cytogenetic location: 19q13.33.
Variant type: single nucleotide variant.
Coding change: c.13C>T on transcript NM_002691.4 (MANE Select); coding-DNA position 13, C replaced by T.
Protein change: p.Arg5Trp; replaces arginine 5 with tryptophan.
Molecular consequence: missense variant. On other transcripts: non-coding transcript variant (1).
Genome position (GRCh38, 1-based): chr19:50,398,864, C>T. VCF-style: chr19-50398864-C-T. GRCh37 (hg19) VCF-style: chr19-50902121-C-T.
Other names: c.13C>T, p.Arg5Trp (NM_001256849.1, NM_001308632.1); c.13C>T (NM_002691.2); short protein forms R5W.
Identifiers: ClinVar variation 239235 (VCV000239235.28), dbSNP rs9282830, ClinGen allele CA9595580.
Genomic context (GRCh38, chr19:50,398,864, plus strand): 5'-AGGTGTCTCCGGTCAGAACCTCCACCAAGCTCCAACTTGCCCAGCAGGATGGATGGCAAG[C>T]GGCGGCCAGGCCCAGGGCCCGGGGTGCCCCCAAAGCGGGCCCGTGGGGGCCTCTGGGATG-3'
Protein context (NP_002682.2, residues 1-15): MDGK[Arg5Trp]RPGPGPGVPP